The following is an entry in ClinVar:

ClinVar aggregate classification (germline): Uncertain significance (1 of 4 stars; one submission).

Conditions:
Inborn genetic diseases. Identifiers: MedGen C0950123, MeSH D030342.

Submission:

Ambry Genetics
Classification: Uncertain significance for Inborn genetic diseases. Last evaluated: 2026-05-17. Review status: criteria provided, single submitter. Criteria: Ambry Variant Classification Scheme 2023. Collection method: clinical testing. Allele origin: germline.
Comment: The p.S1079G variant (also known as c.3235A>G), located in coding exon 14 of the FANCM gene, results from an A to G substitution at nucleotide position 3235. The serine at codon 1079 is replaced by glycine, an amino acid with similar properties. This amino acid position is conserved. In addition, this alteration is predicted to be tolerated by in silico analysis. Based on the available evidence, the clinical significance of this variant remains unclear.

NM_020937.4(FANCM):c.3235A>G (p.Ser1079Gly)

Gene: FANCM (FA complementation group M; plus strand). Cytogenetic location: 14q21.2.
Variant type: single nucleotide variant.
Coding change: c.3235A>G on transcript NM_020937.4 (MANE Select); coding-DNA position 3235, A replaced by G.
Protein change: p.Ser1079Gly; replaces serine 1079 with glycine.
Molecular consequence: missense variant.
Genome position (GRCh38, 1-based): chr14:45,175,989, A>G. VCF-style: chr14-45175989-A-G. GRCh37 (hg19) VCF-style: chr14-45645192-A-G.
Other names: c.3157A>G, p.Ser1053Gly (NM_001308133.2); short protein forms S1053G, S1079G.
Identifiers: ClinVar variation 4871147 (VCV004871147.1).
Genomic context (GRCh38, chr14:45,175,989, plus strand): 5'-TATCCATCTGAAAAAAGTTGCCTTTATGATATACCTAATGATAATATTTCTGATGAGCCA[A>G]GTCTCTGTGACTGTGATGTACATAAACATAATCAAAATGAAAATTTAGTACCTAACAATC-3'
Protein context (NP_065988.1, residues 1069-1089): IPNDNISDEP[Ser1079Gly]LCDCDVHKHN